The following is an entry in ClinVar:

ClinVar aggregate classification (germline): Uncertain significance (1 of 4 stars; one submission).

Submission:

Labcorp Genetics (formerly Invitae), Labcorp
Classification: Uncertain significance. Last evaluated: 2022-06-20. Review status: criteria provided, single submitter. Criteria: Invitae Variant Classification Sherloc (09022015). Collection method: clinical testing. Allele origin: germline.
Comment: In summary, the available evidence is currently insufficient to determine the role of this variant in disease. Therefore, it has been classified as a Variant of Uncertain Significance. This variant has not been reported in the literature in individuals affected with KPNA7-related conditions. This variant is not present in population databases (gnomAD no frequency). This sequence change creates a premature translational stop signal (p.His359Thrfs*19) in the KPNA7 gene. It is expected to result in an absent or disrupted protein product. However, the current clinical and genetic evidence is not sufficient to establish whether loss-of-function variants in KPNA7 cause disease.

NM_001145715.3(KPNA7):c.1073_1074dup (p.His359fs)

Gene: KPNA7 (karyopherin subunit alpha 7; minus strand). Cytogenetic location: 7q22.1.
Variant type: Duplication.
Coding change: c.1073_1074dup on transcript NM_001145715.3 (MANE Select); coding-DNA positions 1073 to 1074, 2 bases duplicated (AC; older notation c.1073_1074dupAC).
Protein change: p.His359fs; shifts the reading frame from histidine 359.
Molecular consequence: frameshift variant.
Genome position (GRCh38, 1-based): chr7:99,184,989-99,184,990, GT duplicated on the plus strand (AC on the coding strand, the reverse complement: KPNA7 is on the minus strand); duplicating any 2 consecutive bases within chr7:99,184,989-99,184,991 gives the same sequence; the c. name uses the placement nearest the transcript's 3' end. VCF-style (leftmost placement, unchanged base first): chr7-99184988-G-GGT. GRCh37 (hg19) VCF-style: chr7-98782611-G-GGT.
Other names: short protein forms H359fs.
Identifiers: ClinVar variation 1410656 (VCV001410656.6), dbSNP rs2150724958, ClinGen allele CA2573142532.